The following is an entry in ClinVar:

NM_000396.4(CTSK):c.578G>A (p.Arg193Gln)

Gene: CTSK (cathepsin K; minus strand). Cytogenetic location: 1q21.3.
Variant type: single nucleotide variant.
Coding change: c.578G>A on transcript NM_000396.4 (MANE Select); coding-DNA position 578, G replaced by A.
Protein change: p.Arg193Gln; replaces arginine 193 with glutamine.
Molecular consequence: missense variant.
Genome position (GRCh38, 1-based): chr1:150,804,061, C>T on the plus strand (G>A on the coding strand, the complement: CTSK is on the minus strand). VCF-style: chr1-150804061-C-T. GRCh37 (hg19) VCF-style: chr1-150776537-C-T.
Other names: short protein forms R193Q.
Identifiers: ClinVar variation 522671 (VCV000522671.7), dbSNP rs781168584, ClinGen allele CA1080488.

ClinVar aggregate classification (germline): Uncertain significance. Review status: criteria provided, multiple submitters, no conflicts (2 of 4 stars). 4 submissions from 4 submitters: Uncertain significance (4). Last evaluated 2023-04-11.

Conditions:
Pyknodysostosis. Also called: Pycnodysostosis. Identifiers: Orphanet 763, MedGen C0238402, MONDO:0009940, OMIM 265800.

Allele frequency attached by ClinVar (database versions not stated): gnomAD 0.00001 and 0.00002; gnomAD exomes 0.00001; ExAC 0.00002; TOPMed 0.00002.

Submissions (4):

Genome-Nilou Lab
Classification: Uncertain significance for Pyknodysostosis. Last evaluated: 2023-04-11. Review status: criteria provided, single submitter. Criteria: ACMG Guidelines, 2015. Collection method: clinical testing. Allele origin: germline. Affected: no.

Fulgent Genetics
Classification: Uncertain significance for Pyknodysostosis. Last evaluated: 2022-05-23. Review status: criteria provided, single submitter. Criteria: ACMG Guidelines, 2015. Collection method: clinical testing. Allele origin: unknown.

Labcorp Genetics (formerly Invitae), Labcorp
Classification: Uncertain significance. Last evaluated: 2021-10-29. Review status: criteria provided, single submitter. Criteria: Invitae Variant Classification Sherloc (09022015). Collection method: clinical testing. Allele origin: germline.
Comment: This sequence change replaces arginine, which is basic and polar, with glutamine, which is neutral and polar, at codon 193 of the CTSK protein (p.Arg193Gln). This variant is present in population databases (rs781168584, gnomAD 0.006%). This variant has not been reported in the literature in individuals affected with CTSK-related conditions. ClinVar contains an entry for this variant (Variation ID: 522671). Advanced modeling of protein sequence and biophysical properties (such as structural, functional, and spatial information, amino acid conservation, physicochemical variation, residue mobility, and thermodynamic stability) performed at Invitae indicates that this missense variant is not expected to disrupt CTSK protein function. In summary, the available evidence is currently insufficient to determine the role of this variant in disease. Therefore, it has been classified as a Variant of Uncertain Significance.

Genomic Research Center, Shahid Beheshti University of Medical Sciences
Classification: Uncertain significance. Last evaluated: 2020-05-03. Review status: criteria provided, single submitter. Criteria: ACMG Guidelines, 2015. Collection method: clinical testing. Allele origin: unknown. Affected: yes.